The following is an entry in ClinVar:

ClinVar aggregate classification (germline): Pathogenic (1 of 4 stars; one submission).

Submission:

Labcorp Genetics (formerly Invitae), Labcorp
Classification: Pathogenic. Last evaluated: 2023-07-29. Review status: criteria provided, single submitter. Criteria: Invitae Variant Classification Sherloc (09022015). Collection method: clinical testing. Allele origin: germline.
Comment: This sequence change creates a premature translational stop signal (p.Gly2342Argfs*44) in the CDH23 gene. It is expected to result in an absent or disrupted protein product. Loss-of-function variants in CDH23 are known to be pathogenic (PMID: 11138009, 21940737). This variant is not present in population databases (gnomAD no frequency). This variant has not been reported in the literature in individuals affected with CDH23-related conditions. ClinVar contains an entry for this variant (Variation ID: 2030559). For these reasons, this variant has been classified as Pathogenic.

Literature cited by the submitters: PubMed 11138009; PubMed 21940737.

NM_022124.6(CDH23):c.7022dup (p.Gly2342fs)

Gene: CDH23 (cadherin related 23; plus strand). Cytogenetic location: 10q22.1.
Variant type: Duplication.
Coding change: c.7022dup on transcript NM_022124.6 (MANE Select); coding-DNA position 7022, one base duplicated (C; older notation c.7022dupC).
Protein change: p.Gly2342fs; shifts the reading frame from glycine 2342.
Molecular consequence: frameshift variant.
Genome position (GRCh38, 1-based): chr10:71,798,546, C duplicated; the last of 5 consecutive C bases (chr10:71,798,542-71,798,546); duplicating any one gives the same sequence. VCF-style (leftmost placement, unchanged base first): chr10-71798541-G-GC. GRCh37 (hg19) VCF-style: chr10-73558298-G-GC.
Other names: c.302dup, p.Gly102fs (NM_001171933.1, NM_001171934.1); short protein forms G102fs, G2342fs.
Identifiers: ClinVar variation 2030559 (VCV002030559.4), dbSNP rs2132965979, ClinGen allele CA2580081853.
Genomic context (GRCh38, chr10:71,798,541, plus strand): 5'-AGCCGTGGACCCTGACAAGGGCCTTAATGGGCTGGTCACCTACACCCTGCTGGACCTGGT[G>GC]CCCCCAGGGTATGTCCAGCTGGAGGACTCCTCGGCAGGTAGGTTAGAAATCTGTCAGAGG-3'